The following is an entry in ClinVar:

ClinVar aggregate classification (germline): Likely pathogenic (1 of 4 stars; one submission).

Conditions:
Autosomal dominant Alport syndrome (ATS3A). Also called: ALPORT SYNDROME 3A, AUTOSOMAL DOMINANT; Alport syndrome dominant type; Renal failure and sensorineural hearing loss. Identifiers: Orphanet 63, Orphanet 88918, MedGen C5882663, MONDO:0007086, OMIM 104200.

gnomAD v4.1: 1 of 1,608,130 alleles (0.000062%); highest among the groups gnomAD compares: Non-Finnish European, 0.000085%; no homozygotes.

Submission:

MVZ Medizinische Genetik Mainz
Classification: Likely pathogenic for Autosomal dominant Alport syndrome. Last evaluated: 2026-01-30. Review status: criteria provided, single submitter. Criteria: UK Practice Guidelines For Variant Classification V4 01 2020. Collection method: clinical testing. Allele origin: germline. Inheritance: Autosomal dominant inheritance. Affected: yes. Observed: 1 variant allele.
Comment: ACMG Criteria: PM1_STR,PM5,PM2_SUP,PP3

NM_000091.5(COL4A3):c.3619G>T (p.Gly1207Trp)

Genes: COL4A3 (collagen type IV alpha 3 chain; plus strand), MFF-DT (MFF divergent transcript; minus strand). Cytogenetic location: 2q36.3.
Variant type: single nucleotide variant.
Coding change: c.3619G>T on transcript NM_000091.5 (MANE Select); coding-DNA position 3619, G replaced by T.
Protein change: p.Gly1207Trp; replaces glycine 1207 with tryptophan.
Molecular consequence: missense variant.
Genome position (GRCh38, 1-based): chr2:227,297,727, G>T. VCF-style: chr2-227297727-G-T. GRCh37 (hg19) VCF-style: chr2-228162443-G-T.
Other names: short protein forms G1207W.
Identifiers: ClinVar variation 4796801 (VCV004796801.1).
Genomic context (GRCh38, chr2:227,297,727, plus strand): 5'-TTTGCAGGAGCCAAAGGAGACAGGGGAGCCCCAGGTTTTCCTGGCCTCCCGGGCAGAAAA[G>T]GGGCCATGGGAGATGCTGGACCTCGAGGACCCACAGGCATAGAAGGATTCCCAGGGCCAC-3'
Protein context (NP_000082.2, residues 1197-1217): PGFPGLPGRK[Gly1207Trp]AMGDAGPRGP